The following is an entry in ClinVar:

NM_020693.4(DSCAML1):c.440T>C (p.Leu147Pro)

Gene: DSCAML1 (DS cell adhesion molecule like 1; minus strand). Cytogenetic location: 11q23.3.
Variant type: single nucleotide variant.
Coding change: c.440T>C on transcript NM_020693.4 (MANE Select); coding-DNA position 440, T replaced by C.
Protein change: p.Leu147Pro; replaces leucine 147 with proline.
Molecular consequence: missense variant.
Genome position (GRCh38, 1-based): chr11:117,776,862, A>G on the plus strand (T>C on the coding strand, the complement: DSCAML1 is on the minus strand). VCF-style: chr11-117776862-A-G. GRCh37 (hg19) VCF-style: chr11-117647577-A-G.
Other names: c.440T>C, p.Leu147Pro (NM_001367904.1); c.32T>C, p.Leu11Pro (NM_001367905.1); c.620T>C (NM_020693.2); short protein forms L11P, L147P.
Identifiers: ClinVar variation 2068622 (VCV002068622.5), dbSNP rs748651790, ClinGen allele CA6297564.
Genomic context (GRCh38, chr11:117,776,862, plus strand): 5'-GAGACTGTGTCTTTCTCCCAAGATACAACGCTAACATATTCCTGCACTGAAGAGGGGATG[A>G]GGCACTTGAAGACGGCCACGTTGCCACGCATTGACCTTTGATCCTCCACCCGGACGGTGT-3'
Protein context (NP_065744.3, residues 137-157): MRGNVAVFKC[Leu147Pro]IPSSVQEYVS

ClinVar aggregate classification (germline): Uncertain significance. Review status: criteria provided, multiple submitters, no conflicts (2 of 4 stars). 2 submissions from 2 submitters: Uncertain significance (2). Last evaluated 2025-10-22.

Allele frequency attached by ClinVar (database versions not stated): gnomAD exomes below 0.00001; ExAC 0.00001; gnomAD 0.00001; TOPMed 0.00002.
gnomAD v4.1: 8 of 1,614,090 alleles (0.0005%); highest among the groups gnomAD compares: Non-Finnish European, 0.00068%; no homozygotes.

Submissions (2):

Ambry Genetics
Classification: Uncertain significance. Last evaluated: 2025-10-22. Review status: criteria provided, single submitter. Criteria: Ambry Variant Classification Scheme 2023. Collection method: clinical testing. Allele origin: germline.

Labcorp Genetics (formerly Invitae), Labcorp
Classification: Uncertain significance. Last evaluated: 2025-10-10. Review status: criteria provided, single submitter. Criteria: Invitae Variant Classification Sherloc (09022015). Collection method: clinical testing. Allele origin: germline.
Comment: This sequence change replaces leucine, which is neutral and non-polar, with proline, which is neutral and non-polar, at codon 207 of the DSCAML1 protein (p.Leu207Pro). This variant is present in population databases (rs748651790, gnomAD 0.0009%). This variant has not been reported in the literature in individuals affected with DSCAML1-related conditions. ClinVar contains an entry for this variant (Variation ID: 2068622). An algorithm developed to predict the effect of missense changes on protein structure and function (PolyPhen-2) suggests that this variant is likely to be disruptive. In summary, the available evidence is currently insufficient to determine the role of this variant in disease. Therefore, it has been classified as a Variant of Uncertain Significance.